The following is an entry in ClinVar:

ClinVar aggregate classification (germline): Uncertain significance (1 of 4 stars; one submission).

Submission:

Labcorp Genetics (formerly Invitae), Labcorp
Classification: Uncertain significance. Last evaluated: 2024-11-04. Review status: criteria provided, single submitter. Criteria: Invitae Variant Classification Sherloc (09022015). Collection method: clinical testing. Allele origin: germline.
Comment: This sequence change replaces aspartic acid, which is acidic and polar, with histidine, which is basic and polar, at codon 170 of the RFWD3 protein (p.Asp170His). This variant is not present in population databases (gnomAD no frequency). This variant has not been reported in the literature in individuals affected with RFWD3-related conditions. An algorithm developed to predict the effect of missense changes on protein structure and function (PolyPhen-2) suggests that this variant is likely to be tolerated. In summary, the available evidence is currently insufficient to determine the role of this variant in disease. Therefore, it has been classified as a Variant of Uncertain Significance.

NM_018124.4(RFWD3):c.508G>C (p.Asp170His)

Gene: RFWD3 (ring finger and WD repeat domain 3; minus strand). Cytogenetic location: 16q23.1.
Variant type: single nucleotide variant.
Coding change: c.508G>C on transcript NM_018124.4 (MANE Select); coding-DNA position 508, G replaced by C.
Protein change: p.Asp170His; replaces aspartic acid 170 with histidine.
Molecular consequence: missense variant. On other transcripts: 5 prime UTR variant (4), intron variant (1).
Genome position (GRCh38, 1-based): chr16:74,660,942, C>G on the plus strand (G>C on the coding strand, the complement: RFWD3 is on the minus strand). VCF-style: chr16-74660942-C-G. GRCh37 (hg19) VCF-style: chr16-74694840-C-G.
Other names: c.508G>C, p.Asp170His (NM_001370534.1, NM_001370535.1, NM_001370536.1); c.-501G>C (NM_001370537.1); c.-124G>C (NM_001370539.1); c.-378G>C (NM_001370542.1); c.-256G>C (NM_001370543.1); c.-317+3682G>C (NM_001370540.1); short protein forms D170H.
Identifiers: ClinVar variation 3724085 (VCV003724085.2).